The following is an entry in ClinVar:

NM_001369.3(DNAH5):c.2443T>A (p.Leu815Met)

Genes: DNAH5 (dynein axonemal heavy chain 5; minus strand), DNAH5-AS1 (DNAH5 antisense RNA 1; plus strand). Cytogenetic location: 5p15.2.
Variant type: single nucleotide variant.
Coding change: c.2443T>A on transcript NM_001369.3 (MANE Select); coding-DNA position 2443, T replaced by A.
Protein change: p.Leu815Met; replaces leucine 815 with methionine.
Molecular consequence: missense variant.
Genome position (GRCh38, 1-based): chr5:13,891,110, A>T on the plus strand (T>A on the coding strand, the complement: DNAH5 is on the minus strand). VCF-style: chr5-13891110-A-T. GRCh37 (hg19) VCF-style: chr5-13891219-A-T.
Other names: short protein forms L815M.
Identifiers: ClinVar variation 258011 (VCV000258011.51), dbSNP rs149654950, ClinGen allele CA3204582.

ClinVar aggregate classification (germline): Conflicting classifications of pathogenicity. Review status: criteria provided, conflicting classifications (1 of 4 stars). 7 submissions from 7 submitters: Uncertain significance (2); Likely benign (5). Last evaluated 2026-01-26.

Conditions:
Primary ciliary dyskinesia. Also called: Ciliary dyskinesia. Identifiers: Orphanet 244, MedGen C0008780, MONDO:0016575, HP:0012265.
Primary ciliary dyskinesia 3. Identifiers: Orphanet 244, MedGen C1837618, MONDO:0012085, OMIM 608644.

Allele frequency attached by ClinVar (database versions not stated): 1000 Genomes Project 30x 0.00031; 1000 Genomes Project 0.00040; ESP Exome Variant Server 0.00100; TOPMed 0.00102; gnomAD exomes 0.00111; ExAC 0.00117; gnomAD 0.00119 and 0.00124.
gnomAD v4.1: 1,920 of 1,614,066 alleles (0.12%); highest among the groups gnomAD compares: Non-Finnish European, 0.14%; 8 homozygotes.

Submissions (7):

Labcorp Genetics (formerly Invitae), Labcorp
Classification: Likely benign for Primary ciliary dyskinesia. Last evaluated: 2026-01-26. Review status: criteria provided, single submitter. Criteria: Invitae Variant Classification Sherloc (09022015). Collection method: clinical testing. Allele origin: germline.

CeGaT Center for Human Genetics Tuebingen
Classification: Likely benign. Last evaluated: 2026-01-01. Review status: criteria provided, single submitter. Criteria: CeGaT Center For Human Genetics Tuebingen Variant Classification Criteria Version 2. Collection method: clinical testing. Allele origin: germline. Affected: yes. Observed: 6 variant alleles.
Comment: DNAH5: BP4, BS2

Blueprint Genetics
Classification: Uncertain significance. Last evaluated: 2024-11-22. Review status: criteria provided, single submitter. Criteria: ACMG Guidelines, 2015. Collection method: clinical testing. Allele origin: germline.

Ambry Genetics
Classification: Likely benign for Primary ciliary dyskinesia. Last evaluated: 2021-12-08. Review status: criteria provided, single submitter. Criteria: Ambry Variant Classification Scheme 2023. Collection method: clinical testing. Allele origin: germline.

Genome-Nilou Lab
Classification: Likely benign for Primary ciliary dyskinesia 3. Last evaluated: 2021-05-18. Review status: criteria provided, single submitter. Criteria: ACMG Guidelines, 2015. Collection method: clinical testing. Allele origin: germline. Affected: no.

Illumina Laboratory Services, Illumina
Classification: Uncertain significance for Primary ciliary dyskinesia 3. Last evaluated: 2018-01-13. Review status: criteria provided, single submitter. Criteria: ICSL Variant Classification Criteria 13 December 2019. Collection method: clinical testing. Allele origin: germline.

PreventionGenetics, part of Exact Sciences
Classification: Likely benign. Review status: criteria provided, single submitter. Criteria: ACMG Guidelines, 2015. Collection method: clinical testing. Allele origin: germline.